The following is an entry in ClinVar:

ClinVar aggregate classification (germline): Uncertain significance (1 of 4 stars; one submission).

Allele frequency attached by ClinVar (database versions not stated): gnomAD exomes 0.00003.
gnomAD v4.1: 40 of 1,515,068 alleles (0.0026%); highest among the groups gnomAD compares: East Asian, 0.088%; no homozygotes.

Submission:

Labcorp Genetics (formerly Invitae), Labcorp
Classification: Uncertain significance. Last evaluated: 2022-02-08. Review status: criteria provided, single submitter. Criteria: Invitae Variant Classification Sherloc (09022015). Collection method: clinical testing. Allele origin: germline.
Comment: This sequence change replaces proline, which is neutral and non-polar, with leucine, which is neutral and non-polar, at codon 836 of the CACNA1B protein (p.Pro836Leu). This variant is present in population databases (no rsID available, gnomAD no frequency). This variant has not been reported in the literature in individuals affected with CACNA1B-related conditions. Advanced modeling of protein sequence and biophysical properties (such as structural, functional, and spatial information, amino acid conservation, physicochemical variation, residue mobility, and thermodynamic stability) performed at Invitae indicates that this missense variant is not expected to disrupt CACNA1B protein function. In summary, the available evidence is currently insufficient to determine the role of this variant in disease. Therefore, it has been classified as a Variant of Uncertain Significance.

NM_000718.4(CACNA1B):c.2507C>T (p.Pro836Leu)

Gene: CACNA1B (calcium voltage-gated channel subunit alpha1 B; plus strand). Cytogenetic location: 9q34.3.
Variant type: single nucleotide variant.
Coding change: c.2507C>T on transcript NM_000718.4 (MANE Select); coding-DNA position 2507, C replaced by T.
Protein change: p.Pro836Leu; replaces proline 836 with leucine.
Molecular consequence: missense variant.
Genome position (GRCh38, 1-based): chr9:138,023,250, C>T. VCF-style: chr9-138023250-C-T. GRCh37 (hg19) VCF-style: chr9-140917702-C-T.
Other names: c.2507C>T, p.Pro836Leu (NM_001243812.2); short protein forms P836L.
Identifiers: ClinVar variation 1970526 (VCV001970526.5), dbSNP rs1021330422, ClinGen allele CA201830287.